The following is an entry in ClinVar:

NM_001146.5(ANGPT1):c.626T>C (p.Leu209Ser)

Gene: ANGPT1 (angiopoietin 1; minus strand). Cytogenetic location: 8q23.1.
Variant type: single nucleotide variant.
Coding change: c.626T>C on transcript NM_001146.5 (MANE Select); coding-DNA position 626, T replaced by C.
Protein change: p.Leu209Ser; replaces leucine 209 with serine.
Molecular consequence: missense variant.
Genome position (GRCh38, 1-based): chr8:107,322,078, A>G on the plus strand (T>C on the coding strand, the complement: ANGPT1 is on the minus strand). VCF-style: chr8-107322078-A-G. GRCh37 (hg19) VCF-style: chr8-108334306-A-G.
Other names: c.626T>C, p.Leu209Ser (NM_001199859.3); c.26T>C, p.Leu9Ser (NM_001314051.2); short protein forms L209S, L9S.
Identifiers: ClinVar variation 3728597 (VCV003728597.2).
Genomic context (GRCh38, chr8:107,322,078, plus strand): 5'-ATATATGTTTGACGAGTAACCAAGCCTTGAAGGTTCTCTTTCTCTTCCTTTAAGGTGTCC[A>G]ACTCTTCCTTGTGTTTTCCTTCCATTTCTAAGATTTTATGTTCTAATAAACTACAAGGAA-3'
Protein context (NP_001137.2, residues 199-219): LEMEGKHKEE[Leu209Ser]DTLKEEKENL

ClinVar aggregate classification (germline): Uncertain significance (1 of 4 stars; one submission).

Submission:

Labcorp Genetics (formerly Invitae), Labcorp
Classification: Uncertain significance. Last evaluated: 2025-01-12. Review status: criteria provided, single submitter. Criteria: Invitae Variant Classification Sherloc (09022015). Collection method: clinical testing. Allele origin: germline.
Comment: This sequence change replaces leucine, which is neutral and non-polar, with serine, which is neutral and polar, at codon 209 of the ANGPT1 protein (p.Leu209Ser). This variant is not present in population databases (gnomAD no frequency). This variant has not been reported in the literature in individuals affected with ANGPT1-related conditions. An algorithm developed to predict the effect of missense changes on protein structure and function (PolyPhen-2) suggests that this variant is likely to be disruptive. In summary, the available evidence is currently insufficient to determine the role of this variant in disease. Therefore, it has been classified as a Variant of Uncertain Significance.